The following is an entry in ClinVar:

ClinVar aggregate classification (germline): Uncertain significance. Review status: criteria provided, multiple submitters, no conflicts (2 of 4 stars). 3 submissions from 3 submitters: Uncertain significance (3). Last evaluated 2022-04-26.

Conditions:
Familial adenomatous polyposis 1 (FAP1). Also called: POLYPOSIS, ADENOMATOUS INTESTINAL; FAMILIAL ADENOMATOUS POLYPOSIS 1, ATTENUATED. Identifiers: MedGen C2713442, MONDO:0021056, OMIM 175100. Disease mechanism: loss of function.
Hereditary cancer-predisposing syndrome. Also called: Neoplastic Syndromes, Hereditary; Tumor predisposition; Hereditary Cancer Syndrome; Hereditary neoplastic syndrome. Identifiers: Orphanet 140162, MedGen C0027672, MeSH D009386, MONDO:0015356.

Allele frequency attached by ClinVar (database versions not stated): TOPMed below 0.00001; gnomAD 0.00001.
gnomAD v4.1: 1 of 1,613,536 alleles (0.000062%); highest among the groups gnomAD compares: Non-Finnish European, 0.000085%; no homozygotes.

Submissions (3):

Ambry Genetics
Classification: Uncertain significance for Hereditary cancer-predisposing syndrome. Last evaluated: 2022-04-26. Review status: criteria provided, single submitter. Criteria: Ambry Variant Classification Scheme 2023. Collection method: clinical testing. Allele origin: germline.
Comment: The p.N1966S variant (also known as c.5897A>G), located in coding exon 15 of the APC gene, results from an A to G substitution at nucleotide position 5897. The asparagine at codon 1966 is replaced by serine, an amino acid with highly similar properties. This amino acid position is highly conserved in available vertebrate species. In addition, in silico predictors for this gene do not accurately predict pathogenicity. Since supporting evidence is limited at this time, the clinical significance of this alteration remains unclear.

Labcorp Genetics (formerly Invitae), Labcorp
Classification: Uncertain significance for Familial adenomatous polyposis 1. Last evaluated: 2021-06-16. Review status: criteria provided, single submitter. Criteria: Invitae Variant Classification Sherloc (09022015). Collection method: clinical testing. Allele origin: germline.
Comment: This sequence change replaces asparagine with serine at codon 1966 of the APC protein (p.Asn1966Ser). The asparagine residue is highly conserved and there is a small physicochemical difference between asparagine and serine. This variant is not present in population databases (ExAC no frequency). This variant has not been reported in the literature in individuals with APC-related conditions. ClinVar contains an entry for this variant (Variation ID: 826037). Algorithms developed to predict the effect of missense changes on protein structure and function (SIFT, PolyPhen-2, Align-GVGD) all suggest that this variant is likely to be disruptive, but these predictions have not been confirmed by published functional studies and their clinical significance is uncertain. Algorithms developed to predict the effect of sequence changes on RNA splicing suggest that this variant may create or strengthen a splice site, but this prediction has not been confirmed by published transcriptional studies. In summary, the available evidence is currently insufficient to determine the role of this variant in disease. Therefore, it has been classified as a Variant of Uncertain Significance.

Blueprint Genetics
Classification: Uncertain significance. Last evaluated: 2019-01-03. Review status: criteria provided, single submitter. Criteria: ACMG Guidelines, 2015. Collection method: clinical testing. Allele origin: germline.

NM_000038.6(APC):c.5897A>G (p.Asn1966Ser)

Gene: APC (APC regulator of Wnt signaling pathway; plus strand). Cytogenetic location: 5q22.2.
Variant type: single nucleotide variant.
Coding change: c.5897A>G on transcript NM_000038.6 (MANE Select); coding-DNA position 5897, A replaced by G.
Protein change: p.Asn1966Ser; replaces asparagine 1966 with serine.
Molecular consequence: missense variant.
Genome position (GRCh38, 1-based): chr5:112,841,491, A>G. VCF-style: chr5-112841491-A-G. GRCh37 (hg19) VCF-style: chr5-112177188-A-G.
Other names: c.5897A>G, p.Asn1966Ser (NM_001127510.3, NM_001354895.2); c.5843A>G, p.Asn1948Ser (NM_001127511.3); c.5951A>G, p.Asn1984Ser (NM_001354896.2); c.5927A>G, p.Asn1976Ser (NM_001354897.2); c.5822A>G, p.Asn1941Ser (NM_001354898.2); c.5813A>G, p.Asn1938Ser (NM_001354899.2); c.5774A>G, p.Asn1925Ser (NM_001354900.2); c.5720A>G, p.Asn1907Ser (NM_001354901.2); and 5 more; short protein forms N1840S, N1865S, N1907S, N1683S, N1875S, N1941S, N1966S, N1976S.
Identifiers: ClinVar variation 826037 (VCV000826037.13), dbSNP rs1322614389, ClinGen allele CA16034236.